The following is an entry in ClinVar:

ClinVar aggregate classification (germline): Uncertain significance. Review status: criteria provided, multiple submitters, no conflicts (2 of 4 stars). 2 submissions from 2 submitters: Uncertain significance (2). Last evaluated 2026-02-26.

Conditions:
Hereditary spastic paraplegia 13 (SPG13). Also called: SPASTIC PARAPLEGIA 13, AUTOSOMAL DOMINANT; Spastic paraplegia 13. Identifiers: Orphanet 100994, MedGen C1854467, MONDO:0011532, OMIM 605280.

Submissions (2):

GeneDx
Classification: Uncertain significance. Last evaluated: 2026-02-26. Review status: criteria provided, single submitter. Criteria: GeneDx Variant Classification Process June 2021. Collection method: clinical testing. Allele origin: germline.
Comment: Not observed at significant frequency in large population cohorts (gnomAD); In silico analysis supports that this missense variant has a deleterious effect on protein structure/function; Has not been previously published as pathogenic or benign to our knowledge

Illumina Laboratory Services, Illumina
Classification: Uncertain significance for Hereditary spastic paraplegia 13. Last evaluated: 2018-01-12. Review status: criteria provided, single submitter. Criteria: ICSL Variant Classification Criteria 13 December 2019. Collection method: clinical testing. Allele origin: germline.

NM_002156.5(HSPD1):c.145G>C (p.Asp49His)

Gene: HSPD1 (heat shock protein family D (Hsp60) member 1; minus strand). Cytogenetic location: 2q33.1.
Variant type: single nucleotide variant.
Coding change: c.145G>C on transcript NM_002156.5 (MANE Select); coding-DNA position 145, G replaced by C.
Protein change: p.Asp49His; replaces aspartic acid 49 with histidine.
Molecular consequence: missense variant.
Genome position (GRCh38, 1-based): chr2:197,498,704, C>G on the plus strand (G>C on the coding strand, the complement: HSPD1 is on the minus strand). VCF-style: chr2-197498704-C-G. GRCh37 (hg19) VCF-style: chr2-198363428-C-G.
Other names: c.145G>C, p.Asp49His (NM_199440.2); short protein forms D49H.
Identifiers: ClinVar variation 895767 (VCV000895767.5), dbSNP rs2086193574, ClinGen allele CA350204101.